The following is an entry in ClinVar:

NM_015044.4(GGA2):c.861T>G (p.Thr287=)

Gene: GGA2 (golgi associated, gamma adaptin ear containing, ARF binding protein 2; minus strand). Cytogenetic location: 16p12.2.
Variant type: single nucleotide variant.
Coding change: c.861T>G on transcript NM_015044.4 (MANE Select); coding-DNA position 861, T replaced by G.
Protein change: p.Thr287=; no amino-acid change (threonine 287 retained).
Molecular consequence: synonymous variant.
Genome position (GRCh38, 1-based): chr16:23,482,942, A>C on the plus strand (T>G on the coding strand, the complement: GGA2 is on the minus strand). VCF-style: chr16-23482942-A-C. GRCh37 (hg19) VCF-style: chr16-23494263-A-C.
Identifiers: ClinVar variation 2646321 (VCV002646321.24), dbSNP rs138430424, ClinGen allele CA7961875.

ClinVar aggregate classification (germline): Likely benign (1 of 4 stars; one submission).

Allele frequency attached by ClinVar (database versions not stated): 1000 Genomes Project 30x 0.00094; ExAC 0.00114; 1000 Genomes Project 0.00120; ESP Exome Variant Server 0.00123; gnomAD 0.00125.
gnomAD v4.1: 2,140 of 1,608,082 alleles (0.13%); highest among the groups gnomAD compares: Non-Finnish European, 0.17%; 4 homozygotes.

Submission:

CeGaT Center for Human Genetics Tuebingen
Classification: Likely benign. Last evaluated: 2024-03-01. Review status: criteria provided, single submitter. Criteria: CeGaT Center For Human Genetics Tuebingen Variant Classification Criteria Version 2. Collection method: clinical testing. Allele origin: germline. Affected: yes. Observed: 3 variant alleles.
Comment: GGA2: BP4, BP7, BS2